The following is an entry in ClinVar:

NM_001943.5(DSG2):c.1119T>C (p.Ile373=)

Gene: DSG2 (desmoglein 2; plus strand). Cytogenetic location: 18q12.1.
Variant type: single nucleotide variant.
Coding change: c.1119T>C on transcript NM_001943.5 (MANE Select); coding-DNA position 1119, T replaced by C.
Protein change: p.Ile373=; no amino-acid change (isoleucine 373 retained).
Molecular consequence: synonymous variant.
Genome position (GRCh38, 1-based): chr18:31,531,091, T>C. VCF-style: chr18-31531091-T-C. GRCh37 (hg19) VCF-style: chr18-29111054-T-C.
Identifiers: ClinVar variation 698470 (VCV000698470.16), dbSNP rs770547012, ClinGen allele CA041487.

ClinVar aggregate classification (germline): Likely benign. Review status: criteria provided, multiple submitters, no conflicts (2 of 4 stars). 5 submissions from 5 submitters: Likely benign (5). Last evaluated 2026-03-27.

Conditions:
Cardiovascular phenotype. Identifiers: MedGen CN230736.
Arrhythmogenic right ventricular cardiomyopathy (ARVD). Also called: Arrhythmogenic cardiomyopathy; Cardiomyopathy, ARVC; Arrhythmogenic right ventricular dysplasia; Arrhythmogenic Right Ventricular Cardiomyopathy (ARVC). Identifiers: Orphanet 247, MedGen C0349788, MeSH D019571, MONDO:0016587. Disease mechanism: loss of function. Inheritance: Various modes of inheritance.
Cardiomyopathy (CMYO). Also called: Cardiomyopathies. Identifiers: Orphanet 167848, MedGen C0878544, MONDO:0004994, HP:0001638. Inheritance: Various modes of inheritance.
Arrhythmogenic right ventricular dysplasia 10. Also called: Arrhythmogenic Right Ventricular Dysplasia/Cardiomyopathy10; ARRHYTHMOGENIC RIGHT VENTRICULAR DYSPLASIA, FAMILIAL, 10; Arrhythmogenic right ventricular dysplasia/cardiomyopathy, type 10. Identifiers: MedGen C1857777, MONDO:0012434, OMIM 610193.

Allele frequency attached by ClinVar (database versions not stated): gnomAD exomes 0.00001; ExAC 0.00002; gnomAD 0.00003; TOPMed 0.00003.
gnomAD v4.1: 21 of 1,613,966 alleles (0.0013%); highest among the groups gnomAD compares: South Asian, 0.0022%; no homozygotes.

Submissions (5):

Molecular Diagnostic Laboratory for Inherited Cardiovascular Disease, Montreal Heart Institute
Classification: Likely benign. Last evaluated: 2026-03-27. Review status: criteria provided, single submitter. Criteria: ACMG Guidelines, 2015. Collection method: clinical testing. Allele origin: germline. Affected: no.
Comment: BP7

Labcorp Genetics (formerly Invitae), Labcorp
Classification: Likely benign for Arrhythmogenic right ventricular dysplasia 10. Last evaluated: 2024-12-17. Review status: criteria provided, single submitter. Criteria: Invitae Variant Classification Sherloc (09022015). Collection method: clinical testing. Allele origin: germline.

All of Us Research Program, National Institutes of Health
Classification: Likely benign for Arrhythmogenic right ventricular cardiomyopathy. Last evaluated: 2023-07-10. Review status: criteria provided, single submitter. Criteria: ACMG Guidelines, 2015. Collection method: clinical testing. Allele origin: germline. Inheritance: Autosomal dominant inheritance. Observed: 4 variant alleles, 4 heterozygotes.
Comment: This study involves interpretation of variants in research participants for the purpose of population health screening. Participant phenotype was not available at the time of variant classification. Additional details can be found in publication PMID: 35346344, PMCID: PMC8962531

Ambry Genetics
Classification: Likely benign for Cardiovascular phenotype. Last evaluated: 2021-02-02. Review status: criteria provided, single submitter. Criteria: Ambry Variant Classification Scheme 2023. Collection method: clinical testing. Allele origin: germline.

Color Diagnostics, LLC DBA Color Health
Classification: Likely benign for Cardiomyopathy. Last evaluated: 2019-07-15. Review status: criteria provided, single submitter. Criteria: ACMG Guidelines, 2015. Collection method: clinical testing. Allele origin: germline.